The following is an entry in ClinVar:

NM_000051.4(ATM):c.6305C>T (p.Ala2102Val)

Genes: ATM (ATM serine/threonine kinase; plus strand), C11orf65 (chromosome 11 open reading frame 65; minus strand). Cytogenetic location: 11q22.3.
Variant type: single nucleotide variant.
Coding change: c.6305C>T on transcript NM_000051.4 (MANE Select); coding-DNA position 6305, C replaced by T.
Protein change: p.Ala2102Val; replaces alanine 2102 with valine.
Molecular consequence: missense variant. On other transcripts: intron variant (2).
Genome position (GRCh38, 1-based): chr11:108,317,479, C>T. VCF-style: chr11-108317479-C-T. GRCh37 (hg19) VCF-style: chr11-108188206-C-T.
Other names: c.6305C>T, p.Ala2102Val (NM_001351834.2); c.641-8408G>A (NM_001330368.2); c.*39-8408G>A (NM_001351110.2); short protein forms A2102V.
Identifiers: ClinVar variation 826312 (VCV000826312.15), dbSNP rs1591790037, ClinGen allele CA382552131.

ClinVar aggregate classification (germline): Uncertain significance. Review status: criteria provided, multiple submitters, no conflicts (2 of 4 stars). 4 submissions from 4 submitters: Uncertain significance (4). Last evaluated 2025-07-31.

Conditions:
Familial cancer of breast. Also called: Hereditary breast cancer; BREAST CANCER, FAMILIAL; hereditary breast carcinoma. Identifiers: Orphanet 227535, MedGen C0346153, MONDO:0016419, OMIM 114480. Disease mechanism: loss of function.
Hereditary cancer-predisposing syndrome. Also called: Tumor predisposition; Neoplastic Syndromes, Hereditary; Hereditary Cancer Syndrome; Hereditary neoplastic syndrome. Identifiers: Orphanet 140162, MedGen C0027672, MeSH D009386, MONDO:0015356.
Ataxia-telangiectasia syndrome (AT). Also called: ATAXIA-TELANGIECTASIA, COMPLEMENTATION GROUP A; ATAXIA-TELANGIECTASIA, FRESNO VARIANT; Ataxia-telangiectasia; Ataxia-telangiectasia, complementation group D; AT, COMPLEMENTATION GROUP C; Ataxia-telangiectasia, complementation group E. Identifiers: Orphanet 100, MedGen C0004135, MONDO:0008840, OMIM 208900.

Allele frequency attached by ClinVar (database versions not stated): gnomAD exomes 0.00001.
gnomAD v4.1: 7 of 1,611,032 alleles (0.00043%); highest among the groups gnomAD compares: Non-Finnish European, 0.00059%; no homozygotes.

Submissions (4):

Labcorp Genetics (formerly Invitae), Labcorp
Classification: Uncertain significance for Ataxia-telangiectasia syndrome. Last evaluated: 2025-07-31. Review status: criteria provided, single submitter. Criteria: Invitae Variant Classification Sherloc (09022015). Collection method: clinical testing. Allele origin: germline.
Comment: This sequence change replaces alanine, which is neutral and non-polar, with valine, which is neutral and non-polar, at codon 2102 of the ATM protein (p.Ala2102Val). This variant is not present in population databases (gnomAD no frequency). This missense change has been observed in individual(s) with breast and/or ovarian cancer (PMID: 29470806). ClinVar contains an entry for this variant (Variation ID: 826312). Invitae Evidence Modeling of protein sequence and biophysical properties (such as structural, functional, and spatial information, amino acid conservation, physicochemical variation, residue mobility, and thermodynamic stability) indicates that this missense variant is not expected to disrupt ATM protein function with a negative predictive value of 95%. In summary, the available evidence is currently insufficient to determine the role of this variant in disease. Therefore, it has been classified as a Variant of Uncertain Significance.

Baylor Genetics
Classification: Uncertain significance for Familial cancer of breast. Last evaluated: 2023-11-28. Review status: criteria provided, single submitter. Criteria: ACMG Guidelines, 2015. Collection method: clinical testing. Allele origin: unknown.

Ambry Genetics
Classification: Uncertain significance for Hereditary cancer-predisposing syndrome. Last evaluated: 2023-08-02. Review status: criteria provided, single submitter. Criteria: Ambry Variant Classification Scheme 2023. Collection method: clinical testing. Allele origin: germline.
Comment: The p.A2102V variant (also known as c.6305C>T), located in coding exon 42 of the ATM gene, results from a C to T substitution at nucleotide position 6305. The alanine at codon 2102 is replaced by valine, an amino acid with similar properties. This alteration has been reported as a variant of unknown significance in a cohort of 1010 unrelated patients and families from across India with an indication of breast and/or ovarian cancers (Singh J et al. Breast Cancer Res. Treat., 2018 Jul;170:189-196). This amino acid position is well conserved in available vertebrate species. In addition, the in silico prediction for this alteration is inconclusive. Since supporting evidence is limited at this time, the clinical significance of this alteration remains unclear.

GeneDx
Classification: Uncertain significance. Last evaluated: 2022-02-02. Review status: criteria provided, single submitter. Criteria: GeneDx Variant Classification Process June 2021. Collection method: clinical testing. Allele origin: germline. Affected: yes.
Comment: Not observed at significant frequency in large population cohorts (gnomAD); In silico analysis supports that this missense variant has a deleterious effect on protein structure/function; Observed in individuals with breast and/or ovarian cancer (Singh 2018); This variant is associated with the following publications: (PMID: 29470806, 23532176, 27535533)

Literature cited by the submitters: PubMed 29470806 (cited by Labcorp Genetics (formerly Invitae), Labcorp and Ambry Genetics).